The following is an entry in ClinVar:

ClinVar aggregate classification (germline): Uncertain significance. Review status: criteria provided, multiple submitters, no conflicts (2 of 4 stars). 2 submissions from 2 submitters: Uncertain significance (2). Last evaluated 2022-05-08.

Conditions:
Short-rib thoracic dysplasia 18 with polydactyly. Identifiers: MedGen C4693420, MONDO:0036483, OMIM 617866.
Retinitis pigmentosa 81 (RP81). Identifiers: MedGen C4693443, MONDO:0036482, OMIM 617871.
Cranioectodermal dysplasia 3 (CED3). Identifiers: Orphanet 1515, MedGen C3279807, MONDO:0013573, OMIM 614099.

Allele frequency attached by ClinVar (database versions not stated): ExAC 0.00002; gnomAD exomes 0.00002; TOPMed 0.00003; gnomAD 0.00005 and 0.00006; 1000 Genomes Project 30x 0.00016; 1000 Genomes Project 0.00020.
gnomAD v4.1: 30 of 1,614,132 alleles (0.0019%); highest among the groups gnomAD compares: African/African-American, 0.008%; no homozygotes.

Submissions (2):

Fulgent Genetics
Classification: Uncertain significance for Cranioectodermal dysplasia 3; Short-rib thoracic dysplasia 18 with polydactyly; Retinitis pigmentosa 81. Last evaluated: 2022-05-08. Review status: criteria provided, single submitter. Criteria: ACMG Guidelines, 2015. Collection method: clinical testing. Allele origin: unknown.

Labcorp Genetics (formerly Invitae), Labcorp
Classification: Uncertain significance. Last evaluated: 2022-03-23. Review status: criteria provided, single submitter. Criteria: Invitae Variant Classification Sherloc (09022015). Collection method: clinical testing. Allele origin: germline.
Comment: This variant has not been reported in the literature in individuals affected with IFT43-related conditions. This variant is present in population databases (rs554856028, gnomAD 0.005%). This sequence change replaces glycine, which is neutral and non-polar, with serine, which is neutral and polar, at codon 178 of the IFT43 protein (p.Gly178Ser). ClinVar contains an entry for this variant (Variation ID: 1024679). In summary, the available evidence is currently insufficient to determine the role of this variant in disease. Therefore, it has been classified as a Variant of Uncertain Significance. Algorithms developed to predict the effect of missense changes on protein structure and function output the following: SIFT: "Tolerated"; PolyPhen-2: "Benign"; Align-GVGD: "Class C0". The serine amino acid residue is found in multiple mammalian species, which suggests that this missense change does not adversely affect protein function.

NM_001102564.3(IFT43):c.517G>A (p.Gly173Ser)

Gene: IFT43 (intraflagellar transport 43; plus strand). Cytogenetic location: 14q24.3.
Variant type: single nucleotide variant.
Coding change: c.517G>A on transcript NM_001102564.3 (MANE Select); coding-DNA position 517, G replaced by A.
Protein change: p.Gly173Ser; replaces glycine 173 with serine.
Molecular consequence: missense variant. On other transcripts: non-coding transcript variant (2).
Genome position (GRCh38, 1-based): chr14:76,083,467, G>A. VCF-style: chr14-76083467-G-A. GRCh37 (hg19) VCF-style: chr14-76549810-G-A.
Other names: c.532G>A, p.Gly178Ser (NM_052873.3); short protein forms G173S, G178S.
Identifiers: ClinVar variation 1024679 (VCV001024679.10), dbSNP rs554856028, ClinGen allele CA7280952.
Genomic context (GRCh38, chr14:76,083,467, plus strand): 5'-TTGAGGGAAAAGGCCTTTCTTTGTCTTACCCAGCGAAACCCTTCTTGGCAGGATGATGTC[G>A]GCTGGGACTGGGACCATCTGTTCACTGAGGTGTCCTCAGAGGTCCTCACTGAGTGGGACC-3'
Protein context (NP_001096034.1, residues 163-183): PEHEVREDDV[Gly173Ser]WDWDHLFTEV